The following is an entry in ClinVar:

ClinVar aggregate classification (germline): Uncertain significance. Review status: criteria provided, multiple submitters, no conflicts (2 of 4 stars). 2 submissions from 2 submitters: Uncertain significance (2). Last evaluated 2024-11-30.

Conditions:
Inborn genetic diseases. Identifiers: MedGen C0950123, MeSH D030342.
Fanconi anemia (FA). Also called: Fanconi's anemia. Identifiers: Orphanet 84, MedGen C0015625, MeSH D005199, MONDO:0019391.

Allele frequency attached by ClinVar (database versions not stated): TOPMed 0.00001; ExAC 0.00001; gnomAD 0.00001; gnomAD exomes below 0.00001.
gnomAD v4.1: 4 of 1,610,500 alleles (0.00025%); highest among the groups gnomAD compares: Admixed American, 0.0017%; no homozygotes.

Submissions (2):

Ambry Genetics
Classification: Uncertain significance for Inborn genetic diseases. Last evaluated: 2024-11-30. Review status: criteria provided, single submitter. Criteria: Ambry Variant Classification Scheme 2023. Collection method: clinical testing. Allele origin: germline.
Comment: The p.P1449L variant (also known as c.4346C>T), located in coding exon 16 of the FANCM gene, results from a C to T substitution at nucleotide position 4346. The proline at codon 1449 is replaced by leucine, an amino acid with similar properties. This amino acid position is conserved. In addition, this alteration is predicted to be tolerated by in silico analysis. Based on the available evidence, the clinical significance of this variant remains unclear.

Labcorp Genetics (formerly Invitae), Labcorp
Classification: Uncertain significance for Fanconi anemia. Last evaluated: 2024-04-29. Review status: criteria provided, single submitter. Criteria: Invitae Variant Classification Sherloc (09022015). Collection method: clinical testing. Allele origin: germline.
Comment: This sequence change replaces proline, which is neutral and non-polar, with leucine, which is neutral and non-polar, at codon 1449 of the FANCM protein (p.Pro1449Leu). This variant is present in population databases (rs778973139, gnomAD 0.0009%). This variant has not been reported in the literature in individuals affected with FANCM-related conditions. ClinVar contains an entry for this variant (Variation ID: 2066816). An algorithm developed to predict the effect of missense changes on protein structure and function (PolyPhen-2) suggests that this variant is likely to be disruptive. In summary, the available evidence is currently insufficient to determine the role of this variant in disease. Therefore, it has been classified as a Variant of Uncertain Significance.

NM_020937.4(FANCM):c.4346C>T (p.Pro1449Leu)

Gene: FANCM (FA complementation group M; plus strand). Cytogenetic location: 14q21.2.
Variant type: single nucleotide variant.
Coding change: c.4346C>T on transcript NM_020937.4 (MANE Select); coding-DNA position 4346, C replaced by T.
Protein change: p.Pro1449Leu; replaces proline 1449 with leucine.
Molecular consequence: missense variant.
Genome position (GRCh38, 1-based): chr14:45,181,665, C>T. VCF-style: chr14-45181665-C-T. GRCh37 (hg19) VCF-style: chr14-45650868-C-T.
Other names: c.4268C>T, p.Pro1423Leu (NM_001308133.2); short protein forms P1423L, P1449L.
Identifiers: ClinVar variation 2066816 (VCV002066816.7), dbSNP rs778973139, ClinGen allele CA7169701.
Genomic context (GRCh38, chr14:45,181,665, plus strand): 5'-TTGTTGCCTTTTACTTTATTTACTTACTTTAGGATCAGAAAAATAGTGAAGTTGATTCTC[C>T]ACTTCATGCTGTCAAAAAGCGCAGATTTCCTATAAACAGAGTAAGTAAATACCAGGTAAT-3'
Protein context (NP_065988.1, residues 1439-1459): EDQKNSEVDS[Pro1449Leu]LHAVKKRRFP